The following is an entry in ClinVar:

NM_000321.3(RB1):c.548C>T (p.Thr183Ile)

Gene: RB1 (RB transcriptional corepressor 1; plus strand). Cytogenetic location: 13q14.2.
Variant type: single nucleotide variant.
Coding change: c.548C>T on transcript NM_000321.3 (MANE Select); coding-DNA position 548, C replaced by T.
Protein change: p.Thr183Ile; replaces threonine 183 with isoleucine.
Molecular consequence: missense variant.
Genome position (GRCh38, 1-based): chr13:48,348,964, C>T. VCF-style: chr13-48348964-C-T. GRCh37 (hg19) VCF-style: chr13-48923100-C-T.
Other names: c.548C>T (NM_000321.2); short protein forms T183I.
Identifiers: ClinVar variation 1039953 (VCV001039953.11), dbSNP rs1952522583, ClinGen allele CA388156893.
Genomic context (GRCh38, chr13:48,348,964, plus strand): 5'-TTTCAGTGATACATTTTTCCTGTTTTTTTTCTGCTTTCTATTTGTTTAATAGGATATCTA[C>T]TGAAATAAATTCTGCATTGGTGCTAAAAGTTTCTTGGATCACATTTTTATTAGCTAAAGG-3'
Protein context (NP_000312.2, residues 173-193): YLTQPSSSIS[Thr183Ile]EINSALVLKV

ClinVar aggregate classification (germline): Uncertain significance. Review status: criteria provided, multiple submitters, no conflicts (2 of 4 stars). 2 submissions from 2 submitters: Uncertain significance (2). Last evaluated 2025-01-20.

Conditions:
Hereditary cancer-predisposing syndrome. Also called: Neoplastic Syndromes, Hereditary; Hereditary Cancer Syndrome; Tumor predisposition; Hereditary neoplastic syndrome. Identifiers: Orphanet 140162, MedGen C0027672, MeSH D009386, MONDO:0015356.
Retinoblastoma (RB1). Also called: RETINOBLASTOMA, SOMATIC. Identifiers: Orphanet 790, MedGen C0035335, MeSH D012175, MONDO:0008380, OMIM 180200, HP:0009919. Disease mechanism: loss of function. Inheritance: Both sporadic and heritable forms are tested..

Allele frequency attached by ClinVar (database versions not stated): gnomAD exomes below 0.00001.
gnomAD v4.1: 4 of 1,600,162 alleles (0.00025%); highest among the groups gnomAD compares: Non-Finnish European, 0.00034%; no homozygotes.

Submissions (2):

Ambry Genetics
Classification: Uncertain significance for Hereditary cancer-predisposing syndrome. Last evaluated: 2025-01-20. Review status: criteria provided, single submitter. Criteria: Ambry Variant Classification Scheme 2023. Collection method: clinical testing. Allele origin: germline.
Comment: The p.T183I variant (also known as c.548C>T), located in coding exon 6 of the RB1 gene, results from a C to T substitution at nucleotide position 548. The threonine at codon 183 is replaced by isoleucine, an amino acid with similar properties. This amino acid position is conserved. In addition, this alteration is predicted to be tolerated by in silico analysis. Since supporting evidence is limited at this time, the clinical significance of this alteration remains unclear.

Labcorp Genetics (formerly Invitae), Labcorp
Classification: Uncertain significance for Retinoblastoma. Last evaluated: 2022-05-14. Review status: criteria provided, single submitter. Criteria: Invitae Variant Classification Sherloc (09022015). Collection method: clinical testing. Allele origin: germline.
Comment: This sequence change replaces threonine, which is neutral and polar, with isoleucine, which is neutral and non-polar, at codon 183 of the RB1 protein (p.Thr183Ile). This variant is not present in population databases (gnomAD no frequency). This variant has not been reported in the literature in individuals affected with RB1-related conditions. ClinVar contains an entry for this variant (Variation ID: 1039953). Algorithms developed to predict the effect of missense changes on protein structure and function (SIFT, PolyPhen-2, Align-GVGD) all suggest that this variant is likely to be tolerated. In summary, the available evidence is currently insufficient to determine the role of this variant in disease. Therefore, it has been classified as a Variant of Uncertain Significance.